The following is an entry in ClinVar:

ClinVar aggregate classification (germline): Uncertain significance (1 of 4 stars; one submission).

Conditions:
Familial acute necrotizing encephalopathy (IIAE3). Also called: ENCEPHALOPATHY, ACUTE, INFECTION-INDUCED, SUSCEPTIBILITY TO, 3; Susceptibility to Acute Necrotizing Encephalopathy 1. Identifiers: Orphanet 88619, MedGen C2675556, MONDO:0011953, OMIM 608033.

Allele frequency attached by ClinVar (database versions not stated): ExAC 0.00003; TOPMed 0.00003.
gnomAD v4.1: 23 of 1,613,744 alleles (0.0014%); highest among the groups gnomAD compares: Admixed American, 0.01%; no homozygotes.

Submission:

Labcorp Genetics (formerly Invitae), Labcorp
Classification: Uncertain significance for Familial acute necrotizing encephalopathy. Last evaluated: 2020-07-25. Review status: criteria provided, single submitter. Criteria: Invitae Variant Classification Sherloc (09022015). Collection method: clinical testing. Allele origin: germline.
Comment: This sequence change replaces threonine with methionine at codon 2728 of the RANBP2 protein (p.Thr2728Met). The threonine residue is highly conserved and there is a moderate physicochemical difference between threonine and methionine. This variant is present in population databases (rs778647896, ExAC 0.02%). This variant has not been reported in the literature in individuals with RANBP2-related conditions. Algorithms developed to predict the effect of missense changes on protein structure and function (SIFT, PolyPhen-2, Align-GVGD) all suggest that this variant is likely to be disruptive, but these predictions have not been confirmed by published functional studies and their clinical significance is uncertain. In summary, the available evidence is currently insufficient to determine the role of this variant in disease. Therefore, it has been classified as a Variant of Uncertain Significance.

NM_006267.5(RANBP2):c.8183C>T (p.Thr2728Met)

Gene: RANBP2 (RAN binding protein 2; plus strand). Cytogenetic location: 2q13.
Variant type: single nucleotide variant.
Coding change: c.8183C>T on transcript NM_006267.5 (MANE Select); coding-DNA position 8183, C replaced by T.
Protein change: p.Thr2728Met; replaces threonine 2728 with methionine.
Molecular consequence: missense variant.
Genome position (GRCh38, 1-based): chr2:108,772,937, C>T. VCF-style: chr2-108772937-C-T. GRCh37 (hg19) VCF-style: chr2-109389393-C-T.
Other names: short protein forms T2728M.
Identifiers: ClinVar variation 1008092 (VCV001008092.10), dbSNP rs778647896, ClinGen allele CA1823777.